The following is an entry in ClinVar:

NM_182961.4(SYNE1):c.11002G>A (p.Glu3668Lys)

Gene: SYNE1 (spectrin repeat containing nuclear envelope protein 1; minus strand). Cytogenetic location: 6q25.2.
Variant type: single nucleotide variant.
Coding change: c.11002G>A on transcript NM_182961.4 (MANE Select); coding-DNA position 11002, G replaced by A.
Protein change: p.Glu3668Lys; replaces glutamic acid 3668 with lysine.
Molecular consequence: missense variant.
Genome position (GRCh38, 1-based): chr6:152,353,669, C>T on the plus strand (G>A on the coding strand, the complement: SYNE1 is on the minus strand). VCF-style: chr6-152353669-C-T. GRCh37 (hg19) VCF-style: chr6-152674804-C-T.
Other names: c.10957G>A, p.Glu3653Lys (NM_033071.5); short protein forms E3653K, E3668K.
Identifiers: ClinVar variation 994793 (VCV000994793.4), dbSNP rs767544504, ClinGen allele CA4056816.
Genomic context (GRCh38, chr6:152,353,669, plus strand): 5'-CCTGGTATCTGGAAGTCAGCTGGGTGGCCTGGCAACCCATTCTGCTGTTCACGTGGCTCT[C>T]GTCCAGTATCTCCTGAGCTCTAGCTCCCACTTCCTCAACTTCATCTCTGTATGCAGTCAC-3'
Protein context (NP_892006.3, residues 3658-3678): VGARAQEILD[Glu3668Lys]SHVNSRMGCQ

ClinVar aggregate classification (germline): Uncertain significance. Review status: criteria provided, multiple submitters, no conflicts (2 of 4 stars). 4 submissions from 4 submitters: Uncertain significance (4). Last evaluated 2023-05-19.

Conditions:
Emery-Dreifuss muscular dystrophy 4, autosomal dominant (EDMD4). Also called: EMERY-DREIFUSS MUSCULAR DYSTROPHY 4 WITH VARIABLE FEATURES. Identifiers: Orphanet 261, MedGen C2751807, MONDO:0013071, OMIM 612998.

Allele frequency attached by ClinVar (database versions not stated): gnomAD exomes 0.00001 and 0.00002; ExAC 0.00002.
gnomAD v4.1: 14 of 1,614,192 alleles (0.00087%); highest among the groups gnomAD compares: Middle Eastern, 0.016%; no homozygotes.

Submissions (4):

Blueprint Genetics
Classification: Uncertain significance. Last evaluated: 2023-05-19. Review status: criteria provided, single submitter. Criteria: ACMG Guidelines, 2015. Collection method: clinical testing. Allele origin: germline.

Athena Diagnostics
Classification: Uncertain significance. Last evaluated: 2020-05-01. Review status: criteria provided, single submitter. Criteria: Athena Diagnostics Criteria. Collection method: clinical testing. Allele origin: unknown.

Baylor Genetics
Classification: Uncertain significance for Emery-Dreifuss muscular dystrophy 4, autosomal dominant. Last evaluated: 2020-02-21. Review status: criteria provided, single submitter. Criteria: ACMG Guidelines, 2015. Collection method: clinical testing. Allele origin: unknown. Affected: yes.
Comment: This variant was determined to be of uncertain significance according to ACMG Guidelines, 2015 [PMID:25741868].

Breakthrough Genomics
Classification: Uncertain significance. Review status: criteria provided, single submitter. Criteria: ACMG Guidelines, 2015. Collection method: not provided. Allele origin: germline. Inheritance: Autosomal recessive inheritance. Affected: yes.